The following is an entry in ClinVar:

NM_024757.5(EHMT1):c.1074G>C (p.Glu358Asp)

Gene: EHMT1 (euchromatic histone lysine methyltransferase 1; plus strand). Cytogenetic location: 9q34.3.
Variant type: single nucleotide variant.
Coding change: c.1074G>C on transcript NM_024757.5 (MANE Select); coding-DNA position 1074, G replaced by C.
Protein change: p.Glu358Asp; replaces glutamic acid 358 with aspartic acid.
Molecular consequence: missense variant.
Genome position (GRCh38, 1-based): chr9:137,743,994, G>C. VCF-style: chr9-137743994-G-C. GRCh37 (hg19) VCF-style: chr9-140638446-G-C.
Other names: c.1074G>C, p.Glu358Asp (NM_001145527.2, NM_001354611.2); c.981G>C, p.Glu327Asp (NM_001354259.2, NM_001354612.2); c.1053G>C, p.Glu351Asp (NM_001354263.2); short protein forms E351D, E327D, E358D.
Identifiers: ClinVar variation 3659077 (VCV003659077.2).

ClinVar aggregate classification (germline): Uncertain significance (1 of 4 stars; one submission).

Conditions:
Kleefstra syndrome 1 (KLEFS1). Identifiers: Orphanet 261494, MedGen C0795833, MONDO:0027407, OMIM 610253.

Submission:

Labcorp Genetics (formerly Invitae), Labcorp
Classification: Uncertain significance for Kleefstra syndrome 1. Last evaluated: 2024-07-31. Review status: criteria provided, single submitter. Criteria: Invitae Variant Classification Sherloc (09022015). Collection method: clinical testing. Allele origin: germline.
Comment: This sequence change replaces glutamic acid, which is acidic and polar, with aspartic acid, which is acidic and polar, at codon 358 of the EHMT1 protein (p.Glu358Asp). This variant is not present in population databases (gnomAD no frequency). This variant has not been reported in the literature in individuals affected with EHMT1-related conditions. An algorithm developed to predict the effect of missense changes on protein structure and function outputs the following: PolyPhen-2: "Benign". The aspartic acid amino acid residue is found in multiple mammalian species, which suggests that this missense change does not adversely affect protein function. In summary, the available evidence is currently insufficient to determine the role of this variant in disease. Therefore, it has been classified as a Variant of Uncertain Significance.